The following is an entry in ClinVar:

ClinVar aggregate classification (germline): Benign/Likely benign. Review status: criteria provided, multiple submitters, no conflicts (2 of 4 stars). 4 submissions from 4 submitters: Benign (2); Likely benign (2). Last evaluated 2025-07-01.

Conditions:
Nemaline myopathy 6 (NEM6). Also called: Nemaline myopathy 6, autosomal dominant. Identifiers: Orphanet 171439, MedGen C1836472, MONDO:0012237, OMIM 609273.

Allele frequency attached by ClinVar (database versions not stated): TOPMed 0.00011; gnomAD 0.00013 and 0.00014; ESP Exome Variant Server 0.00016; ExAC 0.00034.

Submissions (4):

CeGaT Center for Human Genetics Tuebingen
Classification: Benign. Last evaluated: 2025-07-01. Review status: criteria provided, single submitter. Criteria: CeGaT Center For Human Genetics Tuebingen Variant Classification Criteria Version 2. Collection method: clinical testing. Allele origin: germline. Affected: yes. Observed: 3 variant alleles.
Comment: KBTBD13: BS1, BS2

Labcorp Genetics (formerly Invitae), Labcorp
Classification: Benign for Nemaline myopathy 6. Last evaluated: 2025-04-01. Review status: criteria provided, single submitter. Criteria: Invitae Variant Classification Sherloc (09022015). Collection method: clinical testing. Allele origin: germline.

Laboratory of Genetics, Children's Clinical University Hospital Latvia
Classification: Likely benign. Last evaluated: 2025-02-16. Review status: criteria provided, single submitter. Criteria: ACMG Guidelines, 2015. Collection method: clinical testing. Allele origin: germline. Affected: yes.

Blueprint Genetics
Classification: Likely benign. Last evaluated: 2024-10-22. Review status: criteria provided, single submitter. Criteria: ACMG Guidelines, 2015. Collection method: clinical testing. Allele origin: germline.

NM_001101362.3(KBTBD13):c.1232C>T (p.Thr411Met)

Gene: KBTBD13 (kelch repeat and BTB domain containing 13; plus strand). Cytogenetic location: 15q22.31.
Variant type: single nucleotide variant.
Coding change: c.1232C>T on transcript NM_001101362.3 (MANE Select); coding-DNA position 1232, C replaced by T.
Protein change: p.Thr411Met; replaces threonine 411 with methionine.
Molecular consequence: missense variant.
Genome position (GRCh38, 1-based): chr15:65,078,047, C>T. VCF-style: chr15-65078047-C-T. GRCh37 (hg19) VCF-style: chr15-65370385-C-T.
Other names: short protein forms T411M.
Identifiers: ClinVar variation 706426 (VCV000706426.36), dbSNP rs372826347, ClinGen allele CA7614109.